The following is an entry in ClinVar:

NM_006087.4(TUBB4A):c.-500A>C

Gene: TUBB4A (tubulin beta 4A class IVa; minus strand). Cytogenetic location: 19p13.3.
Variant type: single nucleotide variant.
Coding change: c.-500A>C on transcript NM_006087.4 (MANE Select); 500 bases upstream of the start codon, A replaced by C.
Molecular consequence: genic upstream transcript variant. On other transcripts: 5 prime UTR variant (3).
Genome position (GRCh38, 1-based): chr19:6,502,712, T>G on the plus strand (A>C on the coding strand, the complement: TUBB4A is on the minus strand). VCF-style: chr19-6502712-T-G. GRCh37 (hg19) VCF-style: chr19-6502723-T-G.
Other names: c.-1A>C (NM_001289123.2, NM_001289127.2); c.-84A>C (NM_001289129.2).
Identifiers: ClinVar variation 4687547 (VCV004687547.2).

ClinVar aggregate classification (germline): Uncertain significance (1 of 4 stars; one submission).

Submission:

Women's Health and Genetics/Laboratory Corporation of America, LabCorp
Classification: Uncertain significance. Last evaluated: 2026-04-07. Review status: criteria provided, single submitter. Criteria: LabCorp Variant Classification Summary - May 2015. Collection method: clinical testing. Allele origin: germline.
Comment: Variant summary: TUBB4A c.-500A>C is located in the untranscribed region upstream of the TUBB4A gene region. The frequency of this variant in the general population could not be determined as the technology used for large population databases (ExAC, gnomAD, ESP, 1000G) cannot detect variants of this type. The available data on variant occurrences in the general population are insufficient to allow any conclusion about variant significance. To our knowledge, no occurrence of c.-500A>C in individuals affected with TUBB4A-related conditions and no experimental evidence demonstrating its impact on protein function have been reported. ClinVar contains an entry for this variant (Variation ID: 4687547). Based on the evidence outlined above, the variant was classified as uncertain significance.